The following is an entry in ClinVar:

ClinVar aggregate classification (germline): Uncertain significance. Review status: criteria provided, single submitter (1 of 4 stars). 2 submissions from 2 submitters: Uncertain significance (1). 1 of the submissions does not count toward it. Last evaluated 2025-10-01.

Conditions:
IL6ST-related disorder. Also called: IL6ST-related condition.

Allele frequency attached by ClinVar (database versions not stated): gnomAD 0.00001; TOPMed 0.00001.
gnomAD v4.1: 15 of 1,613,074 alleles (0.00093%); highest among the groups gnomAD compares: Admixed American, 0.0017%; no homozygotes.

Submissions (2):

Labcorp Genetics (formerly Invitae), Labcorp
Classification: Uncertain significance. Last evaluated: 2025-10-01. Review status: criteria provided, single submitter. Criteria: Invitae Variant Classification Sherloc (09022015). Collection method: clinical testing. Allele origin: germline.
Comment: This sequence change replaces arginine, which is basic and polar, with tryptophan, which is neutral and slightly polar, at codon 526 of the IL6ST protein (p.Arg526Trp). This variant is present in population databases (rs535616300, gnomAD 0.003%). This variant has not been reported in the literature in individuals affected with IL6ST-related conditions. ClinVar contains an entry for this variant (Variation ID: 2120337). An algorithm developed to predict the effect of missense changes on protein structure and function (PolyPhen-2) suggests that this variant is likely to be disruptive. In summary, the available evidence is currently insufficient to determine the role of this variant in disease. Therefore, it has been classified as a Variant of Uncertain Significance.

PreventionGenetics, part of Exact Sciences
Classification: Uncertain significance for IL6ST-related condition. Last evaluated: 2024-03-25. Review status: no assertion criteria provided. Collection method: clinical testing. Allele origin: germline. Not counted in ClinVar's aggregate classification.
Comment: The IL6ST c.1576C>T variant is predicted to result in the amino acid substitution p.Arg526Trp. To our knowledge, this variant has not been reported in the literature. This variant is reported in 0.0029% of alleles in individuals of Latino descent in gnomAD. At this time, the clinical significance of this variant is uncertain due to the absence of conclusive functional and genetic evidence.

NM_002184.4(IL6ST):c.1576C>T (p.Arg526Trp)

Gene: IL6ST (interleukin 6 cytokine family signal transducer; minus strand). Cytogenetic location: 5q11.2.
Variant type: single nucleotide variant.
Coding change: c.1576C>T on transcript NM_002184.4 (MANE Select); coding-DNA position 1576, C replaced by T.
Protein change: p.Arg526Trp; replaces arginine 526 with tryptophan.
Molecular consequence: missense variant. On other transcripts: 3 prime UTR variant (1), non-coding transcript variant (2).
Genome position (GRCh38, 1-based): chr5:55,952,052, G>A on the plus strand (C>T on the coding strand, the complement: IL6ST is on the minus strand). VCF-style: chr5-55952052-G-A. GRCh37 (hg19) VCF-style: chr5-55247880-G-A.
Other names: c.1576C>T (NM_002184.3); c.1393C>T, p.Arg465Trp (NM_001190981.2); c.1474C>T, p.Arg492Trp (NM_001364275.2); c.1366C>T, p.Arg456Trp (NM_001364276.2); c.709C>T, p.Arg237Trp (NM_001364277.2); c.673C>T, p.Arg225Trp (NM_001364278.2); c.580C>T, p.Arg194Trp (NM_001364279.2); c.*503C>T (NM_175767.3); short protein forms R237W, R526W, R456W, R492W, R194W, R225W, R465W.
Identifiers: ClinVar variation 2120337 (VCV002120337.5), dbSNP rs535616300, ClinGen allele CA119047294.